The following is an entry in ClinVar:

NM_001023570.4(IQCB1):c.1466G>A (p.Arg489Gln)

Gene: IQCB1 (IQ motif containing B1; minus strand). Cytogenetic location: 3q13.33.
Variant type: single nucleotide variant.
Coding change: c.1466G>A on transcript NM_001023570.4 (MANE Select); coding-DNA position 1466, G replaced by A.
Protein change: p.Arg489Gln; replaces arginine 489 with glutamine.
Molecular consequence: missense variant. On other transcripts: non-coding transcript variant (1).
Genome position (GRCh38, 1-based): chr3:121,772,658, C>T on the plus strand (G>A on the coding strand, the complement: IQCB1 is on the minus strand). VCF-style: chr3-121772658-C-T. GRCh37 (hg19) VCF-style: chr3-121491505-C-T.
Other names: c.1067G>A, p.Arg356Gln (NM_001023571.4); c.1466G>A, p.Arg489Gln (NM_001319107.2); short protein forms R356Q, R489Q.
Identifiers: ClinVar variation 839885 (VCV000839885.15), dbSNP rs778777318, ClinGen allele CA2567088.

ClinVar aggregate classification (germline): Conflicting classifications of pathogenicity. Review status: criteria provided, conflicting classifications (1 of 4 stars). 5 submissions from 5 submitters: Uncertain significance (4); Likely benign (1). Last evaluated 2025-01-15.

Conditions:
Inborn genetic diseases. Identifiers: MedGen C0950123, MeSH D030342.
Nephronophthisis. Also called: Juvenile Nephronophthisis. Identifiers: Orphanet 655, MedGen C0687120, MONDO:0019005, HP:0000090.
Senior-Loken syndrome 5 (SLSN5). Identifiers: Orphanet 3156, MedGen C1836517, MONDO:0012225, OMIM 609254.

Allele frequency attached by ClinVar (database versions not stated): ExAC 0.00001; gnomAD exomes 0.00002; TOPMed 0.00002; gnomAD 0.00003 and 0.00004.
gnomAD v4.1: 140 of 1,614,020 alleles (0.0087%); highest among the groups gnomAD compares: Non-Finnish European, 0.012%; no homozygotes.

Submissions (5):

Labcorp Genetics (formerly Invitae), Labcorp
Classification: Uncertain significance for Nephronophthisis. Last evaluated: 2025-01-15. Review status: criteria provided, single submitter. Criteria: Invitae Variant Classification Sherloc (09022015). Collection method: clinical testing. Allele origin: germline.
Comment: This sequence change replaces arginine, which is basic and polar, with glutamine, which is neutral and polar, at codon 489 of the IQCB1 protein (p.Arg489Gln). This variant is present in population databases (rs778777318, gnomAD 0.004%). This variant has not been reported in the literature in individuals affected with IQCB1-related conditions. ClinVar contains an entry for this variant (Variation ID: 839885). Invitae Evidence Modeling of protein sequence and biophysical properties (such as structural, functional, and spatial information, amino acid conservation, physicochemical variation, residue mobility, and thermodynamic stability) indicates that this missense variant is not expected to disrupt IQCB1 protein function with a negative predictive value of 80%. In summary, the available evidence is currently insufficient to determine the role of this variant in disease. Therefore, it has been classified as a Variant of Uncertain Significance.

Fulgent Genetics
Classification: Uncertain significance for Senior-Loken syndrome 5. Last evaluated: 2024-03-18. Review status: criteria provided, single submitter. Criteria: ACMG Guidelines, 2015. Collection method: clinical testing. Allele origin: germline.

Blueprint Genetics
Classification: Uncertain significance. Last evaluated: 2024-01-11. Review status: criteria provided, single submitter. Criteria: ACMG Guidelines, 2015. Collection method: clinical testing. Allele origin: germline.

Ambry Genetics
Classification: Likely benign for Inborn genetic diseases. Last evaluated: 2023-04-07. Review status: criteria provided, single submitter. Criteria: Ambry Variant Classification Scheme 2023. Collection method: clinical testing. Allele origin: germline.

Illumina Laboratory Services, Illumina
Classification: Uncertain significance for Senior-Loken syndrome 5. Last evaluated: 2017-10-11. Review status: criteria provided, single submitter. Criteria: ICSL Variant Classification Criteria 13 December 2019. Collection method: clinical testing. Allele origin: germline.